The following is an entry in ClinVar:

NC_012920.1(MT-TV):m.1606G>A

Gene: MT-TV (mitochondrially encoded tRNA valine; plus strand).
Variant type: single nucleotide variant.
Genome position: chrM-1606-G-A.
Other names: 1606A-G.
Identifiers: ClinVar variation 9548 (VCV000009548.3), dbSNP rs199476143, ClinGen allele CA120536.

ClinVar aggregate classification (germline): Uncertain significance. Review status: reviewed by expert panel (3 of 4 stars). 3 submissions from 3 submitters: Uncertain significance (1). 2 of the submissions do not count toward it. Last evaluated 2022-06-30.

Conditions:
Mitochondrial disease. Also called: Mitochondrial disorder; Mitochondrial disorders. Identifiers: Orphanet 68380, MedGen C0751651, MeSH D028361, MONDO:0044970.
MELAS syndrome (MELAS). Also called: Juvenile myopathy, encephalopathy, lactic acidosis, stroke. Identifiers: Orphanet 550, MedGen C0162671, MONDO:0010789, OMIM 540000.
Ataxia, progressive seizures, mental deterioration, and hearing loss. Identifiers: MedGen C4016634.

Submissions (3):

ClinGen Mitochondrial Disease Nuclear and Mitochondrial  Variant Curation Expert Panel, ClinGen
Classification: Uncertain significance for Mitochondrial disease. Last evaluated: 2022-06-30. Review status: reviewed by expert panel. Criteria: clingen mito disease acmg specifications v1-1. Collection method: curation. Allele origin: germline. Inheritance: Mitochondrial inheritance.
Comment: The m.1606G>A variant in MT-TV has been reported in two affected individuals in two families (PMIDs: 9450773, 2056939), however haplogroups were not provided as necessary to apply PS4_supporting. This variant occurred de novo in one individual (absent in blood and urine from mother and brother; PM6_supporting, PMID: 12056939). There is one report of this variant segregating with disease features as a healthy mother of a proband had the variant present at <10% in muscle, however this does not meet criteria to apply PP1_supporting (at least two segregations). This variant is absent in the GenBank dataset, Helix dataset, and gnomAD v3.1.2 (PM2_supporting). Single fiber testing showed higher levels of the variant in COX negative fibers (85%) than in COX positive fibers (57%), p<0.0001 (PS3_supporting, PMID: 9450773). The computational predictor MitoTIP suggests this variant impacts the function of this tRNA with a score of 73.6%, as does HmtVar with a score of 0.9 (PP3). In summary, this variant meets criteria to be classified as uncertain significance for primary mitochondrial disease inherited in a mitochondrial manner. This classification was approved by the NICHD/NINDS U24 Mitochondrial Disease Variant Curation Expert Panel on June 27, 2022. Mitochondrial DNA-specific ACMG/AMP criteria applied (PMID: 32906214): PM6_supporting, PS3_supporting, PM2_supporting, PP3.

Wong Mito Lab, Molecular and Human Genetics, Baylor College of Medicine
Classification: Pathogenic for MELAS syndrome. Last evaluated: 2019-07-12. Review status: criteria provided, single submitter. Criteria: Modified ACMG Guidelines (Unpublished). Collection method: clinical testing. Allele origin: germline. Not counted in ClinVar's aggregate classification.
Comment: The NC_012920.1:m.1606G>A variant in MT-TV gene is interpreted to be a Pathogenic variant based on the modified ACMG guidelines (unpublished). This variant meets the following evidence codes reported in the guidelines: PS3, PS5, PM7

OMIM
Classification: Pathogenic for ATAXIA, PROGRESSIVE SEIZURES, MENTAL DETERIORATION, AND HEARING LOSS. Last evaluated: 2002-06-01. Review status: no assertion criteria provided. Collection method: literature only. Allele origin: germline. Not counted in ClinVar's aggregate classification.

Literature cited by the submitters: PubMed 9450773 (cited by 3 submitters); PubMed 31965079 (cited by Wong Mito Lab, Molecular and Human Genetics, Baylor College of Medicine); PubMed 20064630 (cited by Wong Mito Lab, Molecular and Human Genetics, Baylor College of Medicine); PubMed 12056939 (cited by Wong Mito Lab, Molecular and Human Genetics, Baylor College of Medicine and OMIM).